The following is an entry in ClinVar:

ClinVar aggregate classification (germline): Likely benign. Review status: criteria provided, single submitter (1 of 4 stars). 2 submissions from 2 submitters: Likely benign (1). 1 of the submissions does not count toward it. Last evaluated 2024-05-13.

Conditions:
ALG2-related disorder. Also called: ALG2-related condition.
Congenital disorder of glycosylation, type Ii. Also called: CDG Ii; ALG2-CDG; ALG2-congenital disorder of glycosylation. Identifiers: Orphanet 79326, MedGen C1842836, MONDO:0011933, OMIM 607906.
Congenital myasthenic syndrome 14. Also called: Myasthenic syndrome, congenital, 14, with tubular aggregates. Identifiers: Orphanet 353327, Orphanet 590, MedGen C4015597, MONDO:0014543, OMIM 616228.

Allele frequency attached by ClinVar (database versions not stated): TOPMed 0.00002; ExAC 0.00003.
gnomAD v4.1: 129 of 1,614,226 alleles (0.008%); highest among the groups gnomAD compares: Non-Finnish European, 0.011%; no homozygotes.

Submissions (2):

Labcorp Genetics (formerly Invitae), Labcorp
Classification: Likely benign for Congenital disorder of glycosylation, type Ii; Congenital myasthenic syndrome 14. Last evaluated: 2024-05-13. Review status: criteria provided, single submitter. Criteria: Invitae Variant Classification Sherloc (09022015). Collection method: clinical testing. Allele origin: germline.

PreventionGenetics, part of Exact Sciences
Classification: Likely benign for ALG2-related condition. Last evaluated: 2024-09-04. Review status: no assertion criteria provided. Collection method: clinical testing. Allele origin: germline. Not counted in ClinVar's aggregate classification.
Comment: This variant is classified as likely benign based on ACMG/AMP sequence variant interpretation guidelines (Richards et al. 2015 PMID: 25741868, with internal and published modifications).

NM_033087.4(ALG2):c.729A>T (p.Ala243=)

Gene: ALG2 (ALG2 alpha-1,3/1,6-mannosyltransferase; minus strand). Cytogenetic location: 9q22.33.
Variant type: single nucleotide variant.
Coding change: c.729A>T on transcript NM_033087.4 (MANE Select); coding-DNA position 729, A replaced by T.
Protein change: p.Ala243=; no amino-acid change (alanine 243 retained).
Molecular consequence: synonymous variant. On other transcripts: non-coding transcript variant (1).
Genome position (GRCh38, 1-based): chr9:99,218,456, T>A on the plus strand (A>T on the coding strand, the complement: ALG2 is on the minus strand). VCF-style: chr9-99218456-T-A. GRCh37 (hg19) VCF-style: chr9-101980738-T-A.
Identifiers: ClinVar variation 464898 (VCV000464898.12), dbSNP rs748947069, ClinGen allele CA5156262.